The following is an entry in ClinVar:

ClinVar aggregate classification (germline): Benign. Review status: criteria provided, multiple submitters, no conflicts (2 of 4 stars). 12 submissions from 12 submitters: Benign (12). Last evaluated 2026-02-04.

Conditions:
Familial thoracic aortic aneurysm and aortic dissection (TAAD). Also called: Thoracic aortic aneurysms and dissections. Identifiers: Orphanet 91387, MedGen C4707243, MONDO:0019625.
Arterial tortuosity syndrome (ATORS). Identifiers: Orphanet 3342, MedGen C1859726, MONDO:0008818, OMIM 208050.

Allele frequency attached by ClinVar (database versions not stated): gnomAD exomes 0.00583 and 0.01519; ExAC 0.01863; gnomAD 0.05817 and 0.06229; ESP Exome Variant Server 0.06543; TOPMed 0.06556; 1000 Genomes Project 0.06949; 1000 Genomes Project 30x 0.07589.
gnomAD v4.1: 17,726 of 1,614,048 alleles (1.1%); highest among the groups gnomAD compares: African/African-American, 20%; 1,571 homozygotes.

Submissions (12):

Labcorp Genetics (formerly Invitae), Labcorp
Classification: Benign for Arterial tortuosity syndrome. Last evaluated: 2026-02-04. Review status: criteria provided, single submitter. Criteria: Invitae Variant Classification Sherloc (09022015). Collection method: clinical testing. Allele origin: germline.

Molecular Diagnostic Laboratory for Inherited Cardiovascular Disease, Montreal Heart Institute
Classification: Benign. Last evaluated: 2025-04-09. Review status: criteria provided, single submitter. Criteria: ACMG Guidelines, 2015. Collection method: clinical testing. Allele origin: germline. Affected: no.

ARUP Laboratories, Molecular Genetics and Genomics, ARUP Laboratories
Classification: Benign for Arterial tortuosity syndrome. Last evaluated: 2025-03-26. Review status: criteria provided, single submitter. Criteria: ARUP Molecular Germline Variant Investigation Process 2024. Collection method: clinical testing. Allele origin: germline.

CHEO Genetics Diagnostic Laboratory, Children's Hospital of Eastern Ontario
Classification: Benign for Familial thoracic aortic aneurysm and aortic dissection. Last evaluated: 2022-11-30. Review status: criteria provided, single submitter. Criteria: ACMG Guidelines, 2015. Collection method: clinical testing. Allele origin: germline.

Women's Health and Genetics/Laboratory Corporation of America, LabCorp
Classification: Benign. Last evaluated: 2019-11-25. Review status: criteria provided, single submitter. Criteria: LabCorp Variant Classification Summary - May 2015. Collection method: clinical testing. Allele origin: germline.
Comment: Variant summary: SLC2A10 c.1541A>G (p.Lys514Arg) results in a conservative amino acid change in the encoded protein sequence. Five of five in-silico tools predict a benign effect of the variant on protein function. The variant allele was found at a frequency of 0.015 in 251424 control chromosomes, predominantly at a frequency of 0.21 within the African or African-American subpopulation in the gnomAD database, including 333 homozygotes. The observed variant frequency within African or African-American control individuals in the gnomAD database is approximately 133-folds over the estimated maximal expected allele frequency for a pathogenic variant in SLC2A10 causing Aortopathy phenotype (0.0016), strongly suggesting that the variant is a benign polymorphism found primarily in populations of African or African-American origin. To our knowledge, no occurrence of c.1541A>G in individuals affected with Aortopathy and no experimental evidence demonstrating its impact on protein function have been reported. Three ClinVar submissions (evaluation after 2014) cite the variant as benign. Based on the evidence outlined above, the variant was classified as benign.

Illumina Laboratory Services, Illumina
Classification: Benign for Arterial tortuosity syndrome. Last evaluated: 2018-01-13. Review status: criteria provided, single submitter. Criteria: ICSL Variant Classification Criteria 13 December 2019. Collection method: clinical testing. Allele origin: germline.
Comment: This variant was observed in the ICSL laboratory as part of a predisposition screen in an ostensibly healthy population. It had not been previously curated by ICSL or reported in the Human Gene Mutation Database (HGMD: prior to June 1st, 2018), and was therefore a candidate for classification through an automated scoring system. Utilizing variant allele frequency, disease prevalence and penetrance estimates, and inheritance mode, an automated score was calculated to assess if this variant is too frequent to cause the disease. Based on the score and internal cut-off values, a variant classified as benign is not then subjected to further curation. The score for this variant resulted in a classification of benign for this disease.

Ambry Genetics
Classification: Benign for Familial thoracic aortic aneurysm and aortic dissection. Last evaluated: 2015-07-07. Review status: criteria provided, single submitter. Criteria: Ambry Variant Classification Scheme 2023. Collection method: clinical testing. Allele origin: germline.

Mayo Clinic Laboratories, Mayo Clinic
Classification: Benign. Last evaluated: 2015-03-17. Review status: criteria provided, single submitter. Criteria: ACMG Guidelines, 2015. Collection method: clinical testing. Allele origin: germline. Observed: 65 variant alleles.

GeneDx
Classification: Benign. Last evaluated: 2013-04-25. Review status: criteria provided, single submitter. Criteria: GeneDx Variant Classification (06012015). Collection method: clinical testing. Allele origin: germline. Affected: yes.
Comment: This variant is considered likely benign or benign based on one or more of the following criteria: it is a conservative change, it occurs at a poorly conserved position in the protein, it is predicted to be benign by multiple in silico algorithms, and/or has population frequency not consistent with disease.

Laboratory for Molecular Medicine, Mass General Brigham Personalized Medicine
Classification: Benign. Last evaluated: 2013-04-04. Review status: criteria provided, single submitter. Criteria: LMM Criteria. Collection method: clinical testing. Allele origin: germline. Observed: 2 variant alleles.
Comment: Lys514Arg in exon 4 of SLC2A10: This variant is not expected to have clinical si gnificance because it has been identified in 19.2% (846/4406) of African America n chromosomes from a broad population by the NHLBI Exome Sequencing Project (dbSNP rs41283344).

Breakthrough Genomics
Classification: Benign. Review status: criteria provided, single submitter. Criteria: ACMG Guidelines, 2015. Collection method: not provided. Allele origin: germline. Inheritance: Autosomal recessive inheritance. Affected: yes.

PreventionGenetics, part of Exact Sciences
Classification: Benign. Review status: criteria provided, single submitter. Criteria: ACMG Guidelines, 2015. Collection method: clinical testing. Allele origin: germline.

NM_030777.4(SLC2A10):c.1541A>G (p.Lys514Arg)

Gene: SLC2A10 (solute carrier family 2 member 10; plus strand). Cytogenetic location: 20q13.12.
Variant type: single nucleotide variant.
Coding change: c.1541A>G on transcript NM_030777.4 (MANE Select); coding-DNA position 1541, A replaced by G.
Protein change: p.Lys514Arg; replaces lysine 514 with arginine.
Molecular consequence: missense variant.
Genome position (GRCh38, 1-based): chr20:46,729,482, A>G. VCF-style: chr20-46729482-A-G. GRCh37 (hg19) VCF-style: chr20-45358121-A-G.
Other names: p.K514R:AAG>AGG; short protein forms K514R.
Identifiers: ClinVar variation 139177 (VCV000139177.41), dbSNP rs41283344, ClinGen allele CA293556.